The following is an entry in ClinVar:

NM_000264.5(PTCH1):c.2395T>G (p.Ser799Ala)

Genes: PTCH1 (patched 1; minus strand), LOC100507346 (uncharacterized LOC100507346; plus strand). Cytogenetic location: 9q22.32.
Variant type: single nucleotide variant.
Coding change: c.2395T>G on transcript NM_000264.5 (MANE Select); coding-DNA position 2395, T replaced by G.
Protein change: p.Ser799Ala; replaces serine 799 with alanine.
Molecular consequence: missense variant.
Genome position (GRCh38, 1-based): chr9:95,467,281, A>C on the plus strand (T>G on the coding strand, the complement: PTCH1 is on the minus strand). VCF-style: chr9-95467281-A-C. GRCh37 (hg19) VCF-style: chr9-98229563-A-C.
Other names: c.2197T>G, p.Ser733Ala (NM_001083602.3); c.2392T>G, p.Ser798Ala (NM_001083603.3); c.1942T>G, p.Ser648Ala (NM_001083604.3, NM_001083605.3, NM_001083606.3 and 1 more transcripts); c.2239T>G, p.Ser747Ala (NM_001354918.2); short protein forms S648A, S733A, S747A, S798A, S799A.
Identifiers: ClinVar variation 2576076 (VCV002576076.1), dbSNP rs1356433882, ClinGen allele CA374114362.
Genomic context (GRCh38, chr9:95,467,281, plus strand): 5'-GTAAGTGCTGGATATTCGGGTAGTCTGCTTTCTGGGTGACTATATACATGTTGTAGAAAG[A>C]AAAGTATTTGAATTGTGCAGCAATAAAGTCATATTCTCTGGTTTCCCGAGGTACAATGTC-3'
Protein context (NP_000255.2, residues 789-809): DFIAAQFKYF[Ser799Ala]FYNMYIVTQK

ClinVar aggregate classification (germline): Uncertain significance (1 of 4 stars; one submission).

Submission:

Institute for Clinical Genetics, University Hospital TU Dresden, University Hospital TU Dresden
Classification: Uncertain significance. Last evaluated: 2023-01-26. Review status: criteria provided, single submitter. Criteria: ACMG Guidelines, 2015. Collection method: clinical testing. Allele origin: germline.
Comment: PP3, PM2_SUP